The following continues an entry in ClinVar:

NM_006031.6(PCNT):c.7652C>T (p.Ala2551Val)

Gene: PCNT. ClinVar aggregate classification (germline): Benign/Likely benign. Benign (8); Likely benign (1).

Submissions 29 to 71 of 71:

Dr. Peter K. Rogan Lab, Western University
No classification provided (evidence only). Condition: Uterine corpus endometrial carcinoma. Review status: no classification provided. Collection method: in vitro. Allele origin: not applicable. Functional consequence: retained intron. Not counted in ClinVar's aggregate classification.

Dr. Peter K. Rogan Lab, Western University
No classification provided (evidence only). Condition: Uterine corpus endometrial carcinoma. Review status: no classification provided. Collection method: in vitro. Allele origin: not applicable. Functional consequence: retained intron. Not counted in ClinVar's aggregate classification.

Dr. Peter K. Rogan Lab, Western University
No classification provided (evidence only). Condition: Cervical cancer. Review status: no classification provided. Collection method: in vitro. Allele origin: not applicable. Functional consequence: retained intron. Not counted in ClinVar's aggregate classification.

Dr. Peter K. Rogan Lab, Western University
No classification provided (evidence only). Condition: Cervical cancer. Review status: no classification provided. Collection method: in vitro. Allele origin: not applicable. Functional consequence: retained intron. Not counted in ClinVar's aggregate classification.

Dr. Peter K. Rogan Lab, Western University
No classification provided (evidence only). Condition: Cervical cancer. Review status: no classification provided. Collection method: in vitro. Allele origin: not applicable. Functional consequence: retained intron. Not counted in ClinVar's aggregate classification.

Dr. Peter K. Rogan Lab, Western University
No classification provided (evidence only). Condition: Cervical cancer. Review status: no classification provided. Collection method: in vitro. Allele origin: not applicable. Functional consequence: retained intron. Not counted in ClinVar's aggregate classification.

Dr. Peter K. Rogan Lab, Western University
No classification provided (evidence only). Condition: Cervical cancer. Review status: no classification provided. Collection method: in vitro. Allele origin: not applicable. Functional consequence: retained intron. Not counted in ClinVar's aggregate classification.

Dr. Peter K. Rogan Lab, Western University
No classification provided (evidence only). Condition: Cervical cancer. Review status: no classification provided. Collection method: in vitro. Allele origin: not applicable. Functional consequence: retained intron. Not counted in ClinVar's aggregate classification.

Dr. Peter K. Rogan Lab, Western University
No classification provided (evidence only). Condition: Sarcoma. Review status: no classification provided. Collection method: in vitro. Allele origin: not applicable. Functional consequence: retained intron. Not counted in ClinVar's aggregate classification.

Dr. Peter K. Rogan Lab, Western University
No classification provided (evidence only). Condition: Sarcoma. Review status: no classification provided. Collection method: in vitro. Allele origin: not applicable. Functional consequence: retained intron. Not counted in ClinVar's aggregate classification.

Dr. Peter K. Rogan Lab, Western University
No classification provided (evidence only). Condition: Malignant lymphoma, large B-cell, diffuse. Review status: no classification provided. Collection method: in vitro. Allele origin: not applicable. Functional consequence: retained intron. Not counted in ClinVar's aggregate classification.

Dr. Peter K. Rogan Lab, Western University
No classification provided (evidence only). Condition: Hepatocellular carcinoma. Review status: no classification provided. Collection method: in vitro. Allele origin: not applicable. Functional consequence: retained intron. Not counted in ClinVar's aggregate classification.

Dr. Peter K. Rogan Lab, Western University
No classification provided (evidence only). Condition: Hepatocellular carcinoma. Review status: no classification provided. Collection method: in vitro. Allele origin: not applicable. Functional consequence: retained intron. Not counted in ClinVar's aggregate classification.

Dr. Peter K. Rogan Lab, Western University
No classification provided (evidence only). Condition: Hepatocellular carcinoma. Review status: no classification provided. Collection method: in vitro. Allele origin: not applicable. Functional consequence: retained intron. Not counted in ClinVar's aggregate classification.

Dr. Peter K. Rogan Lab, Western University
No classification provided (evidence only). Condition: Thymoma. Review status: no classification provided. Collection method: in vitro. Allele origin: not applicable. Functional consequence: retained intron. Not counted in ClinVar's aggregate classification.

Dr. Peter K. Rogan Lab, Western University
No classification provided (evidence only). Condition: Thymoma. Review status: no classification provided. Collection method: in vitro. Allele origin: not applicable. Functional consequence: retained intron. Not counted in ClinVar's aggregate classification.

Dr. Peter K. Rogan Lab, Western University
No classification provided (evidence only). Condition: Cholangiocarcinoma. Review status: no classification provided. Collection method: in vitro. Allele origin: not applicable. Functional consequence: retained intron. Not counted in ClinVar's aggregate classification.

Dr. Peter K. Rogan Lab, Western University
No classification provided (evidence only). Condition: Ovarian serous cystadenocarcinoma. Review status: no classification provided. Collection method: in vitro. Allele origin: not applicable. Functional consequence: retained intron. Not counted in ClinVar's aggregate classification.

Dr. Peter K. Rogan Lab, Western University
No classification provided (evidence only). Condition: Ovarian serous cystadenocarcinoma. Review status: no classification provided. Collection method: in vitro. Allele origin: not applicable. Functional consequence: retained intron. Not counted in ClinVar's aggregate classification.

Dr. Peter K. Rogan Lab, Western University
No classification provided (evidence only). Condition: Ovarian serous cystadenocarcinoma. Review status: no classification provided. Collection method: in vitro. Allele origin: not applicable. Functional consequence: retained intron. Not counted in ClinVar's aggregate classification.

Dr. Peter K. Rogan Lab, Western University
No classification provided (evidence only). Condition: Ovarian serous cystadenocarcinoma. Review status: no classification provided. Collection method: in vitro. Allele origin: not applicable. Functional consequence: retained intron. Not counted in ClinVar's aggregate classification.

Dr. Peter K. Rogan Lab, Western University
No classification provided (evidence only). Condition: Ovarian serous cystadenocarcinoma. Review status: no classification provided. Collection method: in vitro. Allele origin: not applicable. Functional consequence: retained intron. Not counted in ClinVar's aggregate classification.

Dr. Peter K. Rogan Lab, Western University
No classification provided (evidence only). Condition: Ovarian serous cystadenocarcinoma. Review status: no classification provided. Collection method: in vitro. Allele origin: not applicable. Functional consequence: retained intron. Not counted in ClinVar's aggregate classification.

Dr. Peter K. Rogan Lab, Western University
No classification provided (evidence only). Condition: Ovarian serous cystadenocarcinoma. Review status: no classification provided. Collection method: in vitro. Allele origin: not applicable. Functional consequence: retained intron. Not counted in ClinVar's aggregate classification.

Dr. Peter K. Rogan Lab, Western University
No classification provided (evidence only). Condition: Ovarian serous cystadenocarcinoma. Review status: no classification provided. Collection method: in vitro. Allele origin: not applicable. Functional consequence: retained intron. Not counted in ClinVar's aggregate classification.

Dr. Peter K. Rogan Lab, Western University
No classification provided (evidence only). Condition: Ovarian serous cystadenocarcinoma. Review status: no classification provided. Collection method: in vitro. Allele origin: not applicable. Functional consequence: retained intron. Not counted in ClinVar's aggregate classification.

Dr. Peter K. Rogan Lab, Western University
No classification provided (evidence only). Condition: Ovarian serous cystadenocarcinoma. Review status: no classification provided. Collection method: in vitro. Allele origin: not applicable. Functional consequence: retained intron. Not counted in ClinVar's aggregate classification.

Dr. Peter K. Rogan Lab, Western University
No classification provided (evidence only). Condition: Gastric cancer. Review status: no classification provided. Collection method: in vitro. Allele origin: not applicable. Functional consequence: retained intron. Not counted in ClinVar's aggregate classification.

Dr. Peter K. Rogan Lab, Western University
No classification provided (evidence only). Condition: Gastric cancer. Review status: no classification provided. Collection method: in vitro. Allele origin: not applicable. Functional consequence: retained intron. Not counted in ClinVar's aggregate classification.

Dr. Peter K. Rogan Lab, Western University
No classification provided (evidence only). Condition: Gastric cancer. Review status: no classification provided. Collection method: in vitro. Allele origin: not applicable. Functional consequence: retained intron. Not counted in ClinVar's aggregate classification.

Dr. Peter K. Rogan Lab, Western University
No classification provided (evidence only). Condition: Gastric cancer. Review status: no classification provided. Collection method: in vitro. Allele origin: not applicable. Functional consequence: retained intron. Not counted in ClinVar's aggregate classification.

Dr. Peter K. Rogan Lab, Western University
No classification provided (evidence only). Condition: Gastric cancer. Review status: no classification provided. Collection method: in vitro. Allele origin: not applicable. Functional consequence: retained intron. Not counted in ClinVar's aggregate classification.

Dr. Peter K. Rogan Lab, Western University
No classification provided (evidence only). Condition: Gastric cancer. Review status: no classification provided. Collection method: in vitro. Allele origin: not applicable. Functional consequence: retained intron. Not counted in ClinVar's aggregate classification.

Dr. Peter K. Rogan Lab, Western University
No classification provided (evidence only). Condition: Gastric cancer. Review status: no classification provided. Collection method: in vitro. Allele origin: not applicable. Functional consequence: retained intron. Not counted in ClinVar's aggregate classification.

Dr. Peter K. Rogan Lab, Western University
No classification provided (evidence only). Condition: Gastric cancer. Review status: no classification provided. Collection method: in vitro. Allele origin: not applicable. Functional consequence: retained intron. Not counted in ClinVar's aggregate classification.

Dr. Peter K. Rogan Lab, Western University
No classification provided (evidence only). Condition: Gastric cancer. Review status: no classification provided. Collection method: in vitro. Allele origin: not applicable. Functional consequence: retained intron. Not counted in ClinVar's aggregate classification.

Dr. Peter K. Rogan Lab, Western University
No classification provided (evidence only). Condition: Adrenocortical carcinoma, hereditary. Review status: no classification provided. Collection method: in vitro. Allele origin: not applicable. Functional consequence: retained intron. Not counted in ClinVar's aggregate classification.

Dr. Peter K. Rogan Lab, Western University
No classification provided (evidence only). Condition: Uterine carcinosarcoma. Review status: no classification provided. Collection method: in vitro. Allele origin: not applicable. Functional consequence: retained intron. Not counted in ClinVar's aggregate classification.

Dr. Peter K. Rogan Lab, Western University
No classification provided (evidence only). Condition: Uveal melanoma. Review status: no classification provided. Collection method: in vitro. Allele origin: not applicable. Functional consequence: retained intron. Not counted in ClinVar's aggregate classification.

Dr. Peter K. Rogan Lab, Western University
No classification provided (evidence only). Condition: Malignant tumor of esophagus. Review status: no classification provided. Collection method: in vitro. Allele origin: not applicable. Functional consequence: retained intron. Not counted in ClinVar's aggregate classification.

Dr. Peter K. Rogan Lab, Western University
No classification provided (evidence only). Condition: Malignant tumor of esophagus. Review status: no classification provided. Collection method: in vitro. Allele origin: not applicable. Functional consequence: retained intron. Not counted in ClinVar's aggregate classification.

Dr. Peter K. Rogan Lab, Western University
No classification provided (evidence only). Condition: Malignant tumor of esophagus. Review status: no classification provided. Collection method: in vitro. Allele origin: not applicable. Functional consequence: retained intron. Not counted in ClinVar's aggregate classification.

Laboratory of Diagnostic Genome Analysis, Leiden University Medical Center (LUMC)
Classification: Likely benign. Review status: no assertion criteria provided. Collection method: clinical testing. Allele origin: germline. Affected: yes. Study: VKGL Data-share Consensus. Not counted in ClinVar's aggregate classification.